The following is an entry in ClinVar:

ClinVar aggregate classification (germline): Benign/Likely benign. Review status: criteria provided, multiple submitters, no conflicts (2 of 4 stars). 5 submissions from 5 submitters: Benign (2); Likely benign (2). 1 of the submissions does not count toward it. Last evaluated 2025-09-30.

Conditions:
TUBB1-related disorder. Also called: TUBB1-related condition.

Allele frequency attached by ClinVar (database versions not stated): 1000 Genomes Project 30x 0.00031; 1000 Genomes Project 0.00040.

Submissions (5):

Labcorp Genetics (formerly Invitae), Labcorp
Classification: Benign. Last evaluated: 2025-09-30. Review status: criteria provided, single submitter. Criteria: Invitae Variant Classification Sherloc (09022015). Collection method: clinical testing. Allele origin: germline.

Mayo Clinic Laboratories, Mayo Clinic
Classification: Likely benign. Last evaluated: 2025-04-02. Review status: criteria provided, single submitter. Criteria: ACMG Guidelines, 2015. Collection method: clinical testing. Allele origin: germline. Observed: 2 variant alleles.
Comment: BP4, BP7

Blueprint Genetics
Classification: Likely benign. Last evaluated: 2024-10-18. Review status: criteria provided, single submitter. Criteria: ACMG Guidelines, 2015. Collection method: clinical testing. Allele origin: germline.

CeGaT Center for Human Genetics Tuebingen
Classification: Benign. Last evaluated: 2022-04-01. Review status: criteria provided, single submitter. Criteria: CeGaT Center For Human Genetics Tuebingen Variant Classification Criteria Version 2. Collection method: clinical testing. Allele origin: germline. Affected: yes. Observed: 1 variant allele.
Comment: TUBB1: BS1, BS2

PreventionGenetics, part of Exact Sciences
Classification: Likely benign for TUBB1-related condition. Last evaluated: 2021-03-29. Review status: no assertion criteria provided. Collection method: clinical testing. Allele origin: germline. Not counted in ClinVar's aggregate classification.
Comment: This variant is classified as likely benign based on ACMG/AMP sequence variant interpretation guidelines (Richards et al. 2015 PMID: 25741868, with internal and published modifications).

NM_030773.4(TUBB1):c.534T>A (p.Thr178=)

Gene: TUBB1 (tubulin beta 1 class VI; plus strand). Cytogenetic location: 20q13.32.
Variant type: single nucleotide variant.
Coding change: c.534T>A on transcript NM_030773.4 (MANE Select); coding-DNA position 534, T replaced by A.
Protein change: p.Thr178=; no amino-acid change (threonine 178 retained).
Molecular consequence: synonymous variant.
Genome position (GRCh38, 1-based): chr20:59,023,961, T>A. VCF-style: chr20-59023961-T-A. GRCh37 (hg19) VCF-style: chr20-57599016-T-A.
Other names: p.Thr178=.
Identifiers: ClinVar variation 2082604 (VCV002082604.31), dbSNP rs163777, ClinGen allele CA9928527.